The following is an entry in ClinVar:

NM_024426.6(WT1):c.1122A>G (p.Arg374=)

Gene: WT1 (WT1 transcription factor; minus strand). Cytogenetic location: 11p13.
Variant type: single nucleotide variant.
Coding change: c.1122A>G on transcript NM_024426.6 (MANE Select); coding-DNA position 1122, A replaced by G.
Protein change: p.Arg374=; no amino-acid change (arginine 374 retained).
Molecular consequence: synonymous variant. On other transcripts: 5 prime UTR variant (1), non-coding transcript variant (2).
Genome position (GRCh38, 1-based): chr11:32,396,399, T>C on the plus strand (A>G on the coding strand, the complement: WT1 is on the minus strand). VCF-style: chr11-32396399-T-C. GRCh37 (hg19) VCF-style: chr11-32417945-T-C.
Other names: p.Arg374=; c.1071A>G, p.Arg357= (NM_000378.6, NM_001407045.1, NM_001407048.1 and 1 more transcripts); c.471A>G, p.Arg157= (NM_001198551.2); c.420A>G, p.Arg140= (NM_001198552.2); c.-67A>G (NM_001367854.1); c.1116A>G, p.Arg372= (NM_001407044.1); c.1122A>G, p.Arg374= (NM_001407046.1, NM_024424.5); c.999A>G, p.Arg333= (NM_001407047.1); and 3 more.
Identifiers: ClinVar variation 198591 (VCV000198591.31), dbSNP rs16754, ClinGen allele CA016491.
Genomic context (GRCh38, chr11:32,396,399, plus strand): 5'-GCGTTTCTCACTGGTCTCAGATGCCGACCGTACAAGAGTCGGGGCTACTCCAGGCACACG[T>C]CGCACATCCTGCAGGCAGAGAGTAAGAGGAAGGGAGGCTTTAAGCCACATGTGAACATTC-3'
Protein context (NP_077744.4, residues 364-384): HGVFRGIQDV[Arg374=]RVPGVAPTLV

ClinVar aggregate classification (germline): Benign. Review status: criteria provided, multiple submitters, no conflicts (2 of 4 stars). 23 submissions from 17 submitters: Benign (21). 2 of the submissions do not count toward it. Last evaluated 2026-02-04.

Conditions:
Wilms tumor 1 (WT1). Also called: Wilms tumor, somatic. Identifiers: Orphanet 654, MedGen CN033288, MONDO:0008679, OMIM 194070.
11p partial monosomy syndrome (WAGR). Also called: CHROMOSOME 11p13 DELETION SYNDROME; WAGR syndrome; WAGR Complex; WAGR Spectrum Disorder. Identifiers: Orphanet 893, MedGen C0206115, MONDO:0008681, OMIM 194072.
Frasier syndrome. Identifiers: Orphanet 347, MedGen C0950122, MeSH D052159, MONDO:0007635, OMIM 136680.
Drash syndrome (DDS). Also called: WILMS TUMOR AND PSEUDO- OR TRUE HERMAPHRODITISM; NEPHROPATHY, WILMS TUMOR, AND GENITAL ANOMALIES. Identifiers: Orphanet 220, MedGen C0950121, MONDO:0008682, OMIM 194080.
Inborn genetic diseases. Identifiers: MedGen C0950123, MeSH D030342.
Nephrotic syndrome, type 4 (NPHS4). Also called: Familial mesangial sclerosis; Nephrotic syndrome, early onset with diffuse mesangial sclerosis. Identifiers: Orphanet 656, MedGen C3151568, MONDO:0009733, OMIM 256370.
Meacham syndrome. Also called: Meacham Winn Culler syndrome. Identifiers: Orphanet 3097, MedGen C1837026, MONDO:0012164, OMIM 608978.

Allele frequency attached by ClinVar (database versions not stated): ESP Exome Variant Server 0.13029; gnomAD 0.16617 and 0.18092; gnomAD exomes 0.17933 and 0.24341; TOPMed 0.18770; ExAC 0.23346; 1000 Genomes Project 30x 0.32167; 1000 Genomes Project 0.33147.
gnomAD v4.1: 291,078 of 1,613,638 alleles (18%); highest among the groups gnomAD compares: East Asian, 67%; 35,597 homozygotes.

Submissions (23):

Labcorp Genetics (formerly Invitae), Labcorp
Classification: Benign for Wilms tumor 1; Drash syndrome; 11p partial monosomy syndrome; Frasier syndrome. Last evaluated: 2026-02-04. Review status: criteria provided, single submitter. Criteria: Invitae Variant Classification Sherloc (09022015). Collection method: clinical testing. Allele origin: germline.

Blueprint Genetics
Classification: Benign. Last evaluated: 2024-11-27. Review status: criteria provided, single submitter. Criteria: ACMG Guidelines, 2015. Collection method: clinical testing. Allele origin: germline.

Ambry Genetics
Classification: Benign for Inborn genetic diseases. Last evaluated: 2024-10-18. Review status: criteria provided, single submitter. Criteria: Ambry Variant Classification Scheme 2023. Collection method: clinical testing. Allele origin: germline.

Unidad de Genómica Garrahan, Hospital de Pediatría Garrahan
Classification: Benign. Last evaluated: 2024-07-15. Review status: criteria provided, single submitter. Criteria: ACMG Guidelines, 2015. Collection method: clinical testing. Allele origin: germline. Affected: no. Observed: 45 variant alleles.
Comment: This variant is classified as Benign based on local population frequency. This variant was detected in 48% of patients studied in a panel designed for Epileptic and Developmental Encephalopathy and Progressive Myoclonus Epilepsy. Number of patients: 45. Only high quality variants are reported.

KCCC/NGS Laboratory, Kuwait Cancer Control Center
Classification: Benign for Wilms tumor 1. Last evaluated: 2023-07-07. Review status: criteria provided, single submitter. Criteria: ACMG Guidelines, 2015. Collection method: clinical testing. Allele origin: germline. Affected: yes.

Mayo Clinic Laboratories, Mayo Clinic
Classification: Benign. Last evaluated: 2022-03-09. Review status: criteria provided, single submitter. Criteria: ACMG Guidelines, 2015. Collection method: clinical testing. Allele origin: germline. Observed: 145 variant alleles.

Genome-Nilou Lab
Classification: Benign for Drash syndrome. Last evaluated: 2021-12-05. Review status: criteria provided, single submitter. Criteria: ACMG Guidelines, 2015. Collection method: clinical testing. Allele origin: germline. Affected: no.

Genome-Nilou Lab
Classification: Benign for Frasier syndrome. Last evaluated: 2021-12-05. Review status: criteria provided, single submitter. Criteria: ACMG Guidelines, 2015. Collection method: clinical testing. Allele origin: germline. Affected: no.

Genome-Nilou Lab
Classification: Benign for Meacham syndrome. Last evaluated: 2021-12-05. Review status: criteria provided, single submitter. Criteria: ACMG Guidelines, 2015. Collection method: clinical testing. Allele origin: germline. Affected: no.

Genome-Nilou Lab
Classification: Benign for Nephrotic syndrome, type 4. Last evaluated: 2021-12-05. Review status: criteria provided, single submitter. Criteria: ACMG Guidelines, 2015. Collection method: clinical testing. Allele origin: germline. Affected: no.

Genome-Nilou Lab
Classification: Benign for Wilms tumor 1. Last evaluated: 2021-12-05. Review status: criteria provided, single submitter. Criteria: ACMG Guidelines, 2015. Collection method: clinical testing. Allele origin: germline. Affected: no.

Athena Diagnostics
Classification: Benign. Last evaluated: 2021-03-18. Review status: criteria provided, single submitter. Criteria: Athena Diagnostics Criteria. Collection method: clinical testing. Allele origin: unknown.

Color Diagnostics, LLC DBA Color Health
Classification: Benign for Wilms tumor 1. Last evaluated: 2019-03-28. Review status: criteria provided, single submitter. Criteria: ACMG Guidelines, 2015. Collection method: clinical testing. Allele origin: germline.

Illumina Laboratory Services, Illumina
Classification: Benign for Meacham syndrome. Last evaluated: 2018-01-13. Review status: criteria provided, single submitter. Criteria: ICSL Variant Classification Criteria 13 December 2019. Collection method: clinical testing. Allele origin: germline.
Comment: This variant was observed in the ICSL laboratory as part of a predisposition screen in an ostensibly healthy population. It had not been previously curated by ICSL or reported in the Human Gene Mutation Database (HGMD: prior to June 1st, 2018), and was therefore a candidate for classification through an automated scoring system. Utilizing variant allele frequency, disease prevalence and penetrance estimates, and inheritance mode, an automated score was calculated to assess if this variant is too frequent to cause the disease. Based on the score and internal cut-off values, a variant classified as benign is not then subjected to further curation. The score for this variant resulted in a classification of benign for this disease.

Illumina Laboratory Services, Illumina
Classification: Benign for Wilms tumor 1. Last evaluated: 2018-01-13. Review status: criteria provided, single submitter. Criteria: ICSL Variant Classification Criteria 13 December 2019. Collection method: clinical testing. Allele origin: germline.
Comment: the same text as in the submission from Illumina Laboratory Services, Illumina above.

Illumina Laboratory Services, Illumina
Classification: Benign for Nephrotic syndrome, type 4. Last evaluated: 2018-01-13. Review status: criteria provided, single submitter. Criteria: ICSL Variant Classification Criteria 13 December 2019. Collection method: clinical testing. Allele origin: germline.
Comment: the same text as in the submission from Illumina Laboratory Services, Illumina above.

Women's Health and Genetics/Laboratory Corporation of America, LabCorp
Classification: Benign. Last evaluated: 2016-08-30. Review status: criteria provided, single submitter. Criteria: LabCorp Variant Classification Summary - May 2015. Collection method: clinical testing. Allele origin: germline.
Comment: Variant summary: The WT1 c.1107A>G (p.Arg369Arg) variant involves the alteration of a non-conserved nucleotide, resulting in a synonymous change. One in silico tool predicts a polymorphism outcome for this variant. 4/5 splice prediction tools predict no significant impact on normal splicing. This variant was found in 28265/121072 control chromosomes (4959 homozygotes) at a frequency of 0.2334561, which is approximately 24902 times the estimated maximal expected allele frequency of a pathogenic WT1 variant (0.0000094), suggesting this variant is likely a benign polymorphism. In addition, one clinical diagnostic laboratory classified this variant as benign. Taken together, this variant is classified as benign.

GeneDx
Classification: Benign. Last evaluated: 2016-03-03. Review status: criteria provided, single submitter. Criteria: GeneDx Variant Classification (06012015). Collection method: clinical testing. Allele origin: germline. Affected: yes.
Comment: This variant is considered likely benign or benign based on one or more of the following criteria: it is a conservative change, it occurs at a poorly conserved position in the protein, it is predicted to be benign by multiple in silico algorithms, and/or has population frequency not consistent with disease.

Eurofins Ntd Llc (ga)
Classification: Benign. Last evaluated: 2015-05-21. Review status: criteria provided, single submitter. Criteria: EGL Classification Definitions 2015. Collection method: clinical testing. Allele origin: germline.

Breakthrough Genomics
Classification: Benign. Review status: criteria provided, single submitter. Criteria: ACMG Guidelines, 2015. Collection method: not provided. Allele origin: germline. Inheritance: Autosomal dominant inheritance. Affected: yes.

PreventionGenetics, part of Exact Sciences
Classification: Benign. Review status: criteria provided, single submitter. Criteria: ACMG Guidelines, 2015. Collection method: clinical testing. Allele origin: germline.

Clinical Genetics DNA and cytogenetics Diagnostics Lab, Erasmus MC, Erasmus Medical Center
Classification: Benign. Review status: no assertion criteria provided. Collection method: clinical testing. Allele origin: germline. Affected: yes. Study: VKGL Data-share Consensus. Not counted in ClinVar's aggregate classification.

Genome Diagnostics Laboratory, University Medical Center Utrecht
Classification: Benign. Review status: no assertion criteria provided. Collection method: clinical testing. Allele origin: germline. Affected: yes. Study: VKGL Data-share Consensus. Not counted in ClinVar's aggregate classification.